The following is an entry in ClinVar:

NM_001365276.2(TNXB):c.9176T>A (p.Ile3059Asn)

Gene: TNXB (tenascin XB; minus strand). Cytogenetic location: 6p21.33.
Variant type: single nucleotide variant.
Coding change: c.9176T>A on transcript NM_001365276.2 (MANE Select); coding-DNA position 9176, T replaced by A.
Protein change: p.Ile3059Asn; replaces isoleucine 3059 with asparagine.
Molecular consequence: missense variant.
Genome position (GRCh38, 1-based): chr6:32,050,261, A>T on the plus strand (T>A on the coding strand, the complement: TNXB is on the minus strand). VCF-style: chr6-32050261-A-T. GRCh37 (hg19) VCF-style: chr6-32018038-A-T.
Other names: p.Ile3057Asn; c.9170T>A, p.Ile3057Asn (NM_019105.8); short protein forms I3057N, I3059N.
Identifiers: ClinVar variation 1189886 (VCV001189886.21), dbSNP rs1376678138, ClinGen allele CA363541684.
Genomic context (GRCh38, chr6:32,050,261, plus strand): 5'-GACAGGCTGAGGGAGTCGGGGGTGGCATCTGTCACGGTCAGCTCCCCCAGGCGAGGCTTG[A>T]TGGGGGGCTCAGGGGTCATGGTAGGCACTGCTTGGGTGGTCTCGGCTTCATCCTTTGGAG-3'
Protein context (NP_001352205.1, residues 3049-3069): AVPTMTPEPP[Ile3059Asn]KPRLGELTVT

ClinVar aggregate classification (germline): Uncertain significance. Review status: criteria provided, multiple submitters, no conflicts (2 of 4 stars). 5 submissions from 5 submitters: Uncertain significance (5). Last evaluated 2026-04-14.

Conditions:
Cardiovascular phenotype. Identifiers: MedGen CN230736.

Allele frequency attached by ClinVar (database versions not stated): gnomAD exomes 0.00002; gnomAD 0.00004.
gnomAD v4.1: 34 of 1,613,260 alleles (0.0021%); highest among the groups gnomAD compares: Admixed American, 0.005%; no homozygotes.

Submissions (5):

Women's Health and Genetics/Laboratory Corporation of America, LabCorp
Classification: Uncertain significance. Last evaluated: 2026-04-14. Review status: criteria provided, single submitter. Criteria: LabCorp Variant Classification Summary - May 2015. Collection method: clinical testing. Allele origin: germline.
Comment: Variant summary: TNXB c.9170T>A (p.Ile3057Asn) results in a non-conservative amino acid change in the encoded protein sequence. Algorithms developed to predict the effect of missense changes on protein structure and function are either unavailable or do not agree on the potential impact of this missense change. The frequency data for this variant in gnomAD is considered unreliable, as metrics indicate poor data quality at this position. To our knowledge, no occurrence of c.9170T>A in individuals affected with TNXB-related conditions and no experimental evidence demonstrating its impact on protein function have been reported. ClinVar contains an entry for this variant (Variation ID: 1189886). Based on the evidence outlined above, the variant was classified as uncertain significance.

CeGaT Center for Human Genetics Tuebingen
Classification: Uncertain significance. Last evaluated: 2024-10-01. Review status: criteria provided, single submitter. Criteria: CeGaT Center For Human Genetics Tuebingen Variant Classification Criteria Version 2. Collection method: clinical testing. Allele origin: germline. Affected: yes. Observed: 1 variant allele.
Comment: TNXB: PM2, BP4

GeneDx
Classification: Uncertain significance. Last evaluated: 2024-05-13. Review status: criteria provided, single submitter. Criteria: GeneDx Variant Classification Process June 2021. Collection method: clinical testing. Allele origin: germline. Affected: yes.
Comment: Has not been previously published as pathogenic or benign to our knowledge; In silico analysis indicates that this missense variant does not alter protein structure/function

Mayo Clinic Laboratories, Mayo Clinic
Classification: Uncertain significance. Last evaluated: 2023-07-07. Review status: criteria provided, single submitter. Criteria: ACMG Guidelines, 2015. Collection method: clinical testing. Allele origin: germline. Observed: 1 variant allele.
Comment: BP4

Ambry Genetics
Classification: Uncertain significance for Cardiovascular phenotype. Last evaluated: 2021-07-01. Review status: criteria provided, single submitter. Criteria: Ambry Variant Classification Scheme 2023. Collection method: clinical testing. Allele origin: germline.
Comment: The p.I3057N variant (also known as c.9170T>A), located in coding exon 26 of the TNXB gene, results from a T to A substitution at nucleotide position 9170. The isoleucine at codon 3057 is replaced by asparagine, an amino acid with dissimilar properties. This amino acid position is conserved. In addition, this alteration is predicted to be tolerated by in silico analysis. Since supporting evidence is limited at this time, the clinical significance of this alteration remains unclear.